The following is an entry in ClinVar:

NM_001130987.2(DYSF):c.5558G>A (p.Arg1853His)

Gene: DYSF (dysferlin; plus strand). Cytogenetic location: 2p13.2.
Variant type: single nucleotide variant.
Coding change: c.5558G>A on transcript NM_001130987.2 (MANE Select); coding-DNA position 5558, G replaced by A.
Protein change: p.Arg1853His; replaces arginine 1853 with histidine.
Molecular consequence: missense variant.
Genome position (GRCh38, 1-based): chr2:71,669,123, G>A. VCF-style: chr2-71669123-G-A. GRCh37 (hg19) VCF-style: chr2-71896253-G-A.
Other names: c.5444G>A, p.Arg1815His (NM_001130455.2); c.5399G>A, p.Arg1800His (NM_001130976.2); c.5462G>A, p.Arg1821His (NM_001130977.2); c.5504G>A, p.Arg1835His (NM_001130978.2); c.5534G>A, p.Arg1845His (NM_001130979.2); c.5492G>A, p.Arg1831His (NM_001130980.2); c.5555G>A, p.Arg1852His (NM_001130981.2); c.5537G>A, p.Arg1846His (NM_001130982.2); and 5 more; short protein forms R1814H, R1835H, R1853H, R1822H, R1836H, R1845H, R1846H, R1852H.
Identifiers: ClinVar variation 94338 (VCV000094338.10), dbSNP rs372895279, ClinGen allele CA222186.

ClinVar aggregate classification (germline): Conflicting classifications of pathogenicity. Review status: criteria provided, conflicting classifications (1 of 4 stars). 5 submissions from 5 submitters: Likely pathogenic (1); Uncertain significance (4). Last evaluated 2024-08-14.

Conditions:
Neuromuscular disease caused by qualitative or quantitative defects of dysferlin. Also called: Qualitative or quantitative defects of dysferlin; Dysferlinopathy. Identifiers: Orphanet 207073, MedGen C2931687, MONDO:0016145.
Autosomal recessive limb-girdle muscular dystrophy type 2B (LGMDR2). Also called: MUSCULAR DYSTROPHY, LIMB-GIRDLE, TYPE 3; Limb-Girdle Muscular Dystrophy Type 2B (LGMD2B); MUSCULAR DYSTROPHY, LIMB-GIRDLE, AUTOSOMAL RECESSIVE 2; Limb-girdle muscular dystrophy, type 2B. Identifiers: Orphanet 268, MedGen C1850889, MONDO:0009676, OMIM 253601.

Allele frequency attached by ClinVar (database versions not stated): gnomAD 0.00003; ESP Exome Variant Server 0.00008; gnomAD exomes 0.00002; TOPMed 0.00002; ExAC 0.00006.
gnomAD v4.1: 35 of 1,602,660 alleles (0.0022%); highest among the groups gnomAD compares: Non-Finnish European, 0.0028%; no homozygotes.

Submissions (5):

Natera, Inc.
Classification: Likely pathogenic for Limb-girdle muscular dystrophy type 2B. Last evaluated: 2024-08-14. Review status: criteria provided, single submitter. Criteria: Natera Variant Classification Schema (03/2026). Collection method: clinical testing. Allele origin: germline.
Comment: The c.5441G>A variant in DYSF is a missense variant predicted to cause substitution of arginine to histidine at amino acid 1814. This variant is rare in the general population with a frequency below the threshold expected for the associated phenotype(s). This variant has been observed in one or more individuals affected with the associated recessive disease, as either homozygous or compound heterozygous with a second variant (PMID: 24488599). A different variant at the same position has been determined to be Pathogenic or Likely Pathogenic. Computational prediction algorithms indicate this variant is likely to affect gene or protein function. Given the available evidence, this variant is classified as Likely Pathogenic.

Mayo Clinic Laboratories, Mayo Clinic
Classification: Uncertain significance. Last evaluated: 2023-08-08. Review status: criteria provided, single submitter. Criteria: ACMG Guidelines, 2015. Collection method: clinical testing. Allele origin: germline. Observed: 1 variant allele.
Comment: PP3, PM2_moderate, PM5

Athena Diagnostics
Classification: Uncertain significance. Last evaluated: 2023-03-17. Review status: criteria provided, single submitter. Criteria: Athena Diagnostics Criteria. Collection method: clinical testing. Allele origin: unknown.
Comment: Available data are insufficient to determine the clinical significance of the variant at this time. The frequency of this variant in the general population is uninformative in assessment of its pathogenicity. This variant has been identified in at least one individual with clinical features associated with this gene. Computational tools predict that this variant is damaging.

Labcorp Genetics (formerly Invitae), Labcorp
Classification: Uncertain significance for Neuromuscular disease caused by qualitative or quantitative defects of dysferlin. Last evaluated: 2022-11-01. Review status: criteria provided, single submitter. Criteria: Invitae Variant Classification Sherloc (09022015). Collection method: clinical testing. Allele origin: germline.
Comment: This sequence change replaces arginine, which is basic and polar, with histidine, which is basic and polar, at codon 1814 of the DYSF protein (p.Arg1814His). The frequency data for this variant in the population databases is considered unreliable, as metrics indicate poor data quality at this position in the gnomAD database. This variant has not been reported in the literature in individuals affected with DYSF-related conditions. ClinVar contains an entry for this variant (Variation ID: 94338). Advanced modeling of protein sequence and biophysical properties (such as structural, functional, and spatial information, amino acid conservation, physicochemical variation, residue mobility, and thermodynamic stability) performed at Invitae indicates that this missense variant is expected to disrupt DYSF protein function. In summary, the available evidence is currently insufficient to determine the role of this variant in disease. Therefore, it has been classified as a Variant of Uncertain Significance.

Eurofins Ntd Llc (ga)
Classification: Uncertain significance. Last evaluated: 2018-06-07. Review status: criteria provided, single submitter. Criteria: EGL ClinVar v180209 classification definitions. Collection method: clinical testing. Allele origin: germline. Observed: 3 variant alleles, 3 heterozygotes.

Literature cited by the submitters: PubMed 24488599 (cited by Natera, Inc. and Athena Diagnostics).